The following is an entry in ClinVar:

NM_003738.5(PTCH2):c.1078G>A (p.Val360Met)

Gene: PTCH2 (patched 2; minus strand). Cytogenetic location: 1p34.1.
Variant type: single nucleotide variant.
Coding change: c.1078G>A on transcript NM_003738.5 (MANE Select); coding-DNA position 1078, G replaced by A.
Protein change: p.Val360Met; replaces valine 360 with methionine.
Molecular consequence: missense variant.
Genome position (GRCh38, 1-based): chr1:44,829,619, C>T on the plus strand (G>A on the coding strand, the complement: PTCH2 is on the minus strand). VCF-style: chr1-44829619-C-T. GRCh37 (hg19) VCF-style: chr1-45295291-C-T.
Other names: c.1078G>A, p.Val360Met (NM_001166292.2); short protein forms V360M.
Identifiers: ClinVar variation 4537194 (VCV004537194.1).

ClinVar aggregate classification (germline): Uncertain significance (1 of 4 stars; one submission).

Submission:

Women's Health and Genetics/Laboratory Corporation of America, LabCorp
Classification: Uncertain significance. Last evaluated: 2025-11-25. Review status: criteria provided, single submitter. Criteria: LabCorp Variant Classification Summary - May 2015. Collection method: clinical testing. Allele origin: germline.
Comment: Variant summary: PTCH2 c.1078G>A (p.Val360Met) results in a conservative amino acid change in the encoded protein sequence. Algorithms developed to predict the effect of missense changes on protein structure and function are either unavailable or do not agree on the potential impact of this missense change. The variant allele was found at a frequency of 8e-06 in 251360 control chromosomes. The available data on variant occurrences in the general population are insufficient to allow any conclusion about variant significance. To our knowledge, no occurrence of c.1078G>A in individuals affected with PTCH2-related conditions and no experimental evidence demonstrating its impact on protein function have been reported. No submitters have cited clinical-significance assessments for this variant to ClinVar. Based on the evidence outlined above, the variant was classified as uncertain significance.